The following is an entry in ClinVar:

NM_001042492.3(NF1):c.394_395del (p.Ala131_Ala132insTer)

Gene: NF1 (neurofibromin 1; plus strand). Cytogenetic location: 17q11.2.
Variant type: Deletion.
Coding change: c.394_395del on transcript NM_001042492.3 (MANE Select); coding-DNA positions 394 to 395, 2 bases deleted (GC; older notation c.394_395delGC).
Protein change: p.Ala131_Ala132insTer.
Molecular consequence: nonsense. On other transcripts: frameshift variant (1).
Genome position (GRCh38, 1-based): chr17:31,163,291-31,163,292, GC deleted. VCF-style (leftmost placement, unchanged base first): chr17-31163290-AGC-A. GRCh37 (hg19) VCF-style: chr17-29490308-AGC-A.
Other names: c.394_395delGC, p.Ala132Terfs (NM_000267.4); c.394_395del, p.Ala131_Ala132insTer (NM_001128147.3).
Identifiers: ClinVar variation 2730343 (VCV002730343.3), dbSNP rs2544701059, ClinGen allele CA2697559758.

ClinVar aggregate classification (germline): Pathogenic (1 of 4 stars; one submission).

Conditions:
Neurofibromatosis, type 1 (NF1). Also called: Neurofibromatosis, type I; NEUROFIBROMATOSIS, TYPE I, SOMATIC; Peripheral type neurofibromatosis; VON RECKLINGHAUSEN DISEASE. Identifiers: Orphanet 636, MedGen C0027831, MONDO:0018975, OMIM 162200. Disease mechanism: loss of function.

Submission:

Labcorp Genetics (formerly Invitae), Labcorp
Classification: Pathogenic for Neurofibromatosis, type 1. Last evaluated: 2023-06-27. Review status: criteria provided, single submitter. Criteria: Invitae Variant Classification Sherloc (09022015). Collection method: clinical testing. Allele origin: germline.
Comment: For these reasons, this variant has been classified as Pathogenic. This variant has not been reported in the literature in individuals affected with NF1-related conditions. This variant is not present in population databases (gnomAD no frequency). This sequence change creates a premature translational stop signal (p.Ala132*) in the NF1 gene. It is expected to result in an absent or disrupted protein product. Loss-of-function variants in NF1 are known to be pathogenic (PMID: 10712197, 23913538).

Literature cited by the submitters: PubMed 10712197; PubMed 23913538.